The following is an entry in ClinVar:

ClinVar aggregate classification (germline): Uncertain significance (1 of 4 stars; one submission).

Conditions:
Alpha-methylacyl-CoA racemase deficiency (AMACRD). Also called: AMACR deficiency. Identifiers: Orphanet 79095, MedGen C3280428, MONDO:0013681, OMIM 614307. Disease mechanism: loss of function.

gnomAD v4.1: 1 of 1,610,172 alleles (0.000062%); highest among the groups gnomAD compares: African/African-American, 0.0013%; no homozygotes.

Submission:

Labcorp Genetics (formerly Invitae), Labcorp
Classification: Uncertain significance for Alpha-methylacyl-CoA racemase deficiency. Last evaluated: 2023-11-18. Review status: criteria provided, single submitter. Criteria: Invitae Variant Classification Sherloc (09022015). Collection method: clinical testing. Allele origin: germline.
Comment: This sequence change replaces arginine, which is basic and polar, with histidine, which is basic and polar, at codon 30 of the AMACR protein (p.Arg30His). This variant is not present in population databases (gnomAD no frequency). This variant has not been reported in the literature in individuals affected with AMACR-related conditions. ClinVar contains an entry for this variant (Variation ID: 1375906). Advanced modeling of protein sequence and biophysical properties (such as structural, functional, and spatial information, amino acid conservation, physicochemical variation, residue mobility, and thermodynamic stability) performed at Invitae indicates that this missense variant is not expected to disrupt AMACR protein function with a negative predictive value of 80%. In summary, the available evidence is currently insufficient to determine the role of this variant in disease. Therefore, it has been classified as a Variant of Uncertain Significance.

NM_014324.6(AMACR):c.89G>A (p.Arg30His)

Genes: C1QTNF3-AMACR (C1QTNF3-AMACR readthrough (NMD candidate); minus strand), AMACR (alpha-methylacyl-CoA racemase; minus strand). Cytogenetic location: 5p13.2.
Variant type: single nucleotide variant.
Coding change: c.89G>A on transcript NM_014324.6 (MANE Select); coding-DNA position 89, G replaced by A.
Protein change: p.Arg30His; replaces arginine 30 with histidine.
Molecular consequence: missense variant.
Genome position (GRCh38, 1-based): chr5:34,007,931, C>T on the plus strand (G>A on the coding strand, the complement: AMACR is on the minus strand). VCF-style: chr5-34007931-C-T. GRCh37 (hg19) VCF-style: chr5-34008036-C-T.
Other names: c.89G>A, p.Arg30His (NM_001167595.2, NM_203382.3); short protein forms R30H.
Identifiers: ClinVar variation 1375906 (VCV001375906.6), dbSNP rs1370754918, ClinGen allele CA359385354.
Genomic context (GRCh38, chr5:34,007,931, plus strand): 5'-TTGCCCCGGCCCAAGCGGCTCACGTCGTAGCGGGAGCCGGGCCGGTCCACGCGTACCACA[C>T]GCGCCCCGAAGTCAGCCAGGACCATAGCACAGAACGGGCCCGGGGCCAGGCCGGACAGCT-3'
Protein context (NP_055139.4, residues 20-40): CAMVLADFGA[Arg30His]VVRVDRPGSR